The following is an entry in ClinVar:

ClinVar aggregate classification (germline): Benign/Likely benign. Review status: criteria provided, multiple submitters, no conflicts (2 of 4 stars). 8 submissions from 8 submitters: Benign (1); Likely benign (7). Last evaluated 2026-01-28.

Conditions:
ATM-related disorder. Also called: ATM-related disorders; ATM-related condition.
Hereditary cancer-predisposing syndrome. Also called: Tumor predisposition; Neoplastic Syndromes, Hereditary; Hereditary Cancer Syndrome; Hereditary neoplastic syndrome. Identifiers: Orphanet 140162, MedGen C0027672, MeSH D009386, MONDO:0015356.
Familial cancer of breast. Also called: hereditary breast carcinoma; BREAST CANCER, FAMILIAL; Hereditary breast cancer. Identifiers: Orphanet 227535, MedGen C0346153, MONDO:0016419, OMIM 114480. Disease mechanism: loss of function.
Ataxia-telangiectasia syndrome (AT). Also called: LOUIS-BAR SYNDROME; Ataxia-telangiectasia, complementation group D; Ataxia telangiectasia (A-T); AT, COMPLEMENTATION GROUP C; ATAXIA-TELANGIECTASIA, COMPLEMENTATION GROUP A; ATAXIA-TELANGIECTASIA, FRESNO VARIANT. Identifiers: Orphanet 100, MedGen C0004135, MONDO:0008840, OMIM 208900.

Allele frequency attached by ClinVar (database versions not stated): gnomAD 0.00003 and 0.00002; 1000 Genomes Project 0.00020; 1000 Genomes Project 30x 0.00031; ExAC 0.00001; gnomAD exomes 0.00001; TOPMed 0.00001.
gnomAD v4.1: 16 of 1,612,568 alleles (0.00099%); highest among the groups gnomAD compares: East Asian, 0.0045%; 1 homozygote.

Submissions (8):

Labcorp Genetics (formerly Invitae), Labcorp
Classification: Likely benign for Ataxia-telangiectasia syndrome. Last evaluated: 2026-01-28. Review status: criteria provided, single submitter. Criteria: Invitae Variant Classification Sherloc (09022015). Collection method: clinical testing. Allele origin: germline.

PreventionGenetics, part of Exact Sciences
Classification: Likely benign for ATM-related condition. Last evaluated: 2024-12-12. Review status: criteria provided, single submitter. Criteria: ACMG Guidelines, 2015. Collection method: clinical testing. Allele origin: germline.
Comment: This variant is classified as likely benign based on ACMG/AMP sequence variant interpretation guidelines (Richards et al. 2015 PMID: 25741868, with internal and published modifications).

Myriad Genetics, Inc.
Classification: Benign for Familial cancer of breast. Last evaluated: 2024-04-25. Review status: criteria provided, single submitter. Criteria: Myriad Autosomal Dominant, Autosomal Recessive and X-Linked Classification Criteria (2023). Collection method: clinical testing. Allele origin: unknown.
Comment: This variant is considered benign. This variant is a silent/synonymous amino acid change and it is not expected to impact splicing.

CeGaT Center for Human Genetics Tuebingen
Classification: Likely benign. Last evaluated: 2022-12-01. Review status: criteria provided, single submitter. Criteria: CeGaT Center For Human Genetics Tuebingen Variant Classification Criteria Version 2. Collection method: clinical testing. Allele origin: germline. Affected: yes. Observed: 1 variant allele.
Comment: ATM: BP4, BP7

Sema4
Classification: Likely benign for Hereditary cancer-predisposing syndrome. Last evaluated: 2021-11-15. Review status: criteria provided, single submitter. Criteria: Sema4 Curation Guidelines. Collection method: curation. Allele origin: germline.

GeneDx
Classification: Likely benign. Last evaluated: 2017-08-11. Review status: criteria provided, single submitter. Criteria: GeneDx Variant Classification (06012015). Collection method: clinical testing. Allele origin: germline. Affected: yes.
Comment: This variant is considered likely benign or benign based on one or more of the following criteria: it is a conservative change, it occurs at a poorly conserved position in the protein, it is predicted to be benign by multiple in silico algorithms, and/or has population frequency not consistent with disease.

Color Diagnostics, LLC DBA Color Health
Classification: Likely benign for Hereditary cancer-predisposing syndrome. Last evaluated: 2017-04-13. Review status: criteria provided, single submitter. Criteria: ACMG Guidelines, 2015. Collection method: clinical testing. Allele origin: germline.

Ambry Genetics
Classification: Likely benign for Hereditary cancer-predisposing syndrome. Last evaluated: 2016-08-15. Review status: criteria provided, single submitter. Criteria: Ambry Variant Classification Scheme 2023. Collection method: clinical testing. Allele origin: germline.

NM_000051.4(ATM):c.1104A>G (p.Gln368=)

Gene: ATM (ATM serine/threonine kinase; plus strand). Cytogenetic location: 11q22.3.
Variant type: single nucleotide variant.
Coding change: c.1104A>G on transcript NM_000051.4 (MANE Select); coding-DNA position 1104, A replaced by G.
Protein change: p.Gln368=; no amino-acid change (glutamine 368 retained).
Molecular consequence: synonymous variant.
Genome position (GRCh38, 1-based): chr11:108,248,971, A>G. VCF-style: chr11-108248971-A-G. GRCh37 (hg19) VCF-style: chr11-108119698-A-G.
Other names: c.1104A>G, p.Gln368= (NM_001351834.2).
Identifiers: ClinVar variation 183806 (VCV000183806.45), dbSNP rs560691658, ClinGen allele CA186550.